The following is an entry in ClinVar:

NM_003470.3(USP7):c.1363G>A (p.Val455Ile)

Gene: USP7 (ubiquitin specific peptidase 7; minus strand). Cytogenetic location: 16p13.2.
Variant type: single nucleotide variant.
Coding change: c.1363G>A on transcript NM_003470.3 (MANE Select); coding-DNA position 1363, G replaced by A.
Protein change: p.Val455Ile; replaces valine 455 with isoleucine.
Molecular consequence: missense variant. On other transcripts: non-coding transcript variant (1).
Genome position (GRCh38, 1-based): chr16:8,906,491, C>T on the plus strand (G>A on the coding strand, the complement: USP7 is on the minus strand). VCF-style: chr16-8906491-C-T. GRCh37 (hg19) VCF-style: chr16-9000348-C-T.
Other names: c.1315G>A, p.Val439Ile (NM_001286457.2); c.1066G>A, p.Val356Ile (NM_001286458.2); c.1189G>A, p.Val397Ile (NM_001321858.2); short protein forms V397I, V356I, V455I, V439I.
Identifiers: ClinVar variation 3658171 (VCV003658171.2).

ClinVar aggregate classification (germline): Uncertain significance (1 of 4 stars; one submission).

Submission:

Labcorp Genetics (formerly Invitae), Labcorp
Classification: Uncertain significance. Last evaluated: 2024-06-28. Review status: criteria provided, single submitter. Criteria: Invitae Variant Classification Sherloc (09022015). Collection method: clinical testing. Allele origin: germline.
Comment: This sequence change replaces valine, which is neutral and non-polar, with isoleucine, which is neutral and non-polar, at codon 455 of the USP7 protein (p.Val455Ile). This variant is not present in population databases (gnomAD no frequency). This variant has not been reported in the literature in individuals affected with USP7-related conditions. An algorithm developed to predict the effect of missense changes on protein structure and function (PolyPhen-2) suggests that this variant is likely to be disruptive. In summary, the available evidence is currently insufficient to determine the role of this variant in disease. Therefore, it has been classified as a Variant of Uncertain Significance.